The following is an entry in ClinVar:

NM_020461.4(TUBGCP6):c.1400G>A (p.Gly467Asp)

Gene: TUBGCP6 (tubulin gamma complex component 6; minus strand). Cytogenetic location: 22q13.33.
Variant type: single nucleotide variant.
Coding change: c.1400G>A on transcript NM_020461.4 (MANE Select); coding-DNA position 1400, G replaced by A.
Protein change: p.Gly467Asp; replaces glycine 467 with aspartic acid.
Molecular consequence: missense variant.
Genome position (GRCh38, 1-based): chr22:50,227,919, C>T on the plus strand (G>A on the coding strand, the complement: TUBGCP6 is on the minus strand). VCF-style: chr22-50227919-C-T. GRCh37 (hg19) VCF-style: chr22-50666348-C-T.
Other names: short protein forms G467D.
Identifiers: ClinVar variation 1435505 (VCV001435505.8), dbSNP rs2147191477, ClinGen allele CA412107974.

ClinVar aggregate classification (germline): Uncertain significance (1 of 4 stars; one submission).

Submission:

Labcorp Genetics (formerly Invitae), Labcorp
Classification: Uncertain significance. Last evaluated: 2022-03-10. Review status: criteria provided, single submitter. Criteria: Invitae Variant Classification Sherloc (09022015). Collection method: clinical testing. Allele origin: germline.
Comment: In summary, the available evidence is currently insufficient to determine the role of this variant in disease. Therefore, it has been classified as a Variant of Uncertain Significance. Algorithms developed to predict the effect of missense changes on protein structure and function are either unavailable or do not agree on the potential impact of this missense change (SIFT: "Tolerated"; PolyPhen-2: "Probably Damaging"; Align-GVGD: "Class C0"). This variant has not been reported in the literature in individuals affected with TUBGCP6-related conditions. This variant is not present in population databases (gnomAD no frequency). This sequence change replaces glycine, which is neutral and non-polar, with aspartic acid, which is acidic and polar, at codon 467 of the TUBGCP6 protein (p.Gly467Asp).